The following is an entry in ClinVar:

NM_032578.4(MYPN):c.3865A>G (p.Ser1289Gly)

Gene: MYPN (myopalladin; plus strand). Cytogenetic location: 10q21.3.
Variant type: single nucleotide variant.
Coding change: c.3865A>G on transcript NM_032578.4 (MANE Select); coding-DNA position 3865, A replaced by G.
Protein change: p.Ser1289Gly; replaces serine 1289 with glycine.
Molecular consequence: missense variant. On other transcripts: non-coding transcript variant (2).
Genome position (GRCh38, 1-based): chr10:68,210,357, A>G. VCF-style: chr10-68210357-A-G. GRCh37 (hg19) VCF-style: chr10-69970114-A-G.
Other names: c.3865A>G, p.Ser1289Gly (NM_001256267.2); c.2983A>G, p.Ser995Gly (NM_001256268.2); c.3865A>G (NM_032578.2); short protein forms S995G, S1289G.
Identifiers: ClinVar variation 3596445 (VCV003596445.2).

ClinVar aggregate classification (germline): Uncertain significance. Review status: criteria provided, multiple submitters, no conflicts (2 of 4 stars). 2 submissions from 2 submitters: Uncertain significance (2). Last evaluated 2026-06-06.

Conditions:
Dilated cardiomyopathy 1KK (CMD1KK). Identifiers: Orphanet 154, Orphanet 75249, MedGen C3714995, MONDO:0014100, OMIM 615248.
MYPN-related myopathy (CMYO24). Also called: Nemaline myopathy 11, autosomal recessive. Identifiers: MedGen C4479186, MONDO:0015023, OMIM 617336.
Cardiovascular phenotype. Identifiers: MedGen CN230736.

gnomAD v4.1: 1 of 1,614,136 alleles (0.000062%); highest among the groups gnomAD compares: African/African-American, 0.0013%; no homozygotes.

Submissions (2):

Ambry Genetics
Classification: Uncertain significance for Cardiovascular phenotype. Last evaluated: 2026-06-06. Review status: criteria provided, single submitter. Criteria: Ambry Variant Classification Scheme 2023. Collection method: clinical testing. Allele origin: germline.
Comment: The p.S1289G variant (also known as c.3865A>G), located in coding exon 19 of the MYPN gene, results from an A to G substitution at nucleotide position 3865. The serine at codon 1289 is replaced by glycine, an amino acid with similar properties. This amino acid position is conserved. In addition, this alteration is predicted to be tolerated by in silico analysis. Based on the available evidence, the clinical significance of this variant remains unclear.

Fulgent Genetics
Classification: Uncertain significance for Dilated cardiomyopathy 1KK; MYPN-related myopathy. Last evaluated: 2024-05-13. Review status: criteria provided, single submitter. Criteria: ACMG Guidelines, 2015. Collection method: clinical testing. Allele origin: germline.